The following is an entry in ClinVar:

NM_002742.3(PRKD1):c.696+1G>T

Gene: PRKD1 (protein kinase D1; minus strand). Cytogenetic location: 14q12.
Variant type: single nucleotide variant.
Coding change: c.696+1G>T on transcript NM_002742.3 (MANE Select); the canonical splice donor site of the intron after coding-DNA position 696, G replaced by T.
Molecular consequence: splice donor variant.
Genome position (GRCh38, 1-based): chr14:29,663,698, C>A on the plus strand (G>T on the coding strand, the complement: PRKD1 is on the minus strand). VCF-style: chr14-29663698-C-A. GRCh37 (hg19) VCF-style: chr14-30132904-C-A.
Other names: c.696+1G>T (NM_001330069.2); c.408+1G>T (NM_001348390.1).
Identifiers: ClinVar variation 5009121 (VCV005009121.1).
Genomic context (GRCh38, chr14:29,663,698, plus strand): 5'-TATCACATCACCCCACAGATTTCTCATGTAAATGGGGAAGTGGGTAAACAGGAAGCCATA[C>A]CAGAAGGGGCTCATCAGGGGCACTTGTAGAGAGTTCAGCAGATGATGTGCGGATGGTGCT-3'

ClinVar aggregate classification (germline): Uncertain significance (1 of 4 stars; one submission).

Submission:

GeneDx
Classification: Uncertain significance. Last evaluated: 2026-03-13. Review status: criteria provided, single submitter. Criteria: GeneDx Variant Classification Process June 2021. Collection method: clinical testing. Allele origin: germline.
Comment: Not observed at significant frequency in large population cohorts (gnomAD); Has not been previously published as pathogenic or benign to our knowledge; Canonical splice site variant in a gene for which loss of function is not an established mechanism of disease